The following is an entry in ClinVar:

NM_000274.4(OAT):c.283C>T (p.Pro95Ser)

Gene: OAT (ornithine aminotransferase; minus strand). Cytogenetic location: 10q26.13.
Variant type: single nucleotide variant.
Coding change: c.283C>T on transcript NM_000274.4 (MANE Select); coding-DNA position 283, C replaced by T.
Protein change: p.Pro95Ser; replaces proline 95 with serine.
Molecular consequence: missense variant. On other transcripts: 5 prime UTR variant (2), intron variant (1).
Genome position (GRCh38, 1-based): chr10:124,408,882, G>A on the plus strand (C>T on the coding strand, the complement: OAT is on the minus strand). VCF-style: chr10-124408882-G-A. GRCh37 (hg19) VCF-style: chr10-126097451-G-A.
Other names: c.-132C>T (NM_001171814.2); c.283C>T, p.Pro95Ser (NM_001322965.2, NM_001322966.2, NM_001322967.2 and 3 more transcripts); c.-432C>T (NM_001322974.2); c.199+3091C>T (NM_001322971.2); short protein forms P95S.
Identifiers: ClinVar variation 864129 (VCV000864129.12), dbSNP rs372105047, ClinGen allele CA215254252.

ClinVar aggregate classification (germline): Uncertain significance. Review status: criteria provided, multiple submitters, no conflicts (2 of 4 stars). 3 submissions from 3 submitters: Uncertain significance (2). 1 of the submissions does not count toward it. Last evaluated 2025-04-12.

Conditions:
Inborn genetic diseases. Identifiers: MedGen C0950123, MeSH D030342.
Ornithine aminotransferase deficiency (GACR). Also called: Ornithine ketoacid aminotransferase deficiency; Gyrate atrophy; Gyrate atrophy of choroid and retina; Girate atrophy of the retina; HYPERORNITHINEMIA WITH GYRATE ATROPHY OF CHOROID AND RETINA; OAT DEFICIENCY. Identifiers: Orphanet 414, MedGen C0018425, MONDO:0009796, OMIM 258870.

Allele frequency attached by ClinVar (database versions not stated): gnomAD exomes below 0.00001 and 0.00001; gnomAD 0.00007 and 0.00008; ESP Exome Variant Server 0.00008; TOPMed 0.00005.

Submissions (3):

Ambry Genetics
Classification: Uncertain significance for Inborn genetic diseases. Last evaluated: 2025-04-12. Review status: criteria provided, single submitter. Criteria: Ambry Variant Classification Scheme 2023. Collection method: clinical testing. Allele origin: germline.

Labcorp Genetics (formerly Invitae), Labcorp
Classification: Uncertain significance for Ornithine aminotransferase deficiency. Last evaluated: 2022-07-19. Review status: criteria provided, single submitter. Criteria: Invitae Variant Classification Sherloc (09022015). Collection method: clinical testing. Allele origin: germline.
Comment: This sequence change replaces proline, which is neutral and non-polar, with serine, which is neutral and polar, at codon 95 of the OAT protein (p.Pro95Ser). This variant is present in population databases (rs372105047, gnomAD 0.02%). This variant has not been reported in the literature in individuals affected with OAT-related conditions. ClinVar contains an entry for this variant (Variation ID: 864129). Algorithms developed to predict the effect of missense changes on protein structure and function (SIFT, PolyPhen-2, Align-GVGD) all suggest that this variant is likely to be disruptive. In summary, the available evidence is currently insufficient to determine the role of this variant in disease. Therefore, it has been classified as a Variant of Uncertain Significance.

Natera, Inc.
Classification: Uncertain significance for Gyrate atrophy. Last evaluated: 2020-09-16. Review status: no assertion criteria provided. Collection method: clinical testing. Allele origin: germline. Not counted in ClinVar's aggregate classification.